The following is an entry in ClinVar:

ClinVar aggregate classification (germline): Uncertain significance (1 of 4 stars; one submission).

Submission:

Labcorp Genetics (formerly Invitae), Labcorp
Classification: Uncertain significance. Last evaluated: 2022-12-02. Review status: criteria provided, single submitter. Criteria: Invitae Variant Classification Sherloc (09022015). Collection method: clinical testing. Allele origin: germline.
Comment: In summary, the available evidence is currently insufficient to determine the role of this variant in disease. Therefore, it has been classified as a Variant of Uncertain Significance. Algorithms developed to predict the effect of missense changes on protein structure and function output the following: SIFT: "Tolerated"; PolyPhen-2: "Benign"; Align-GVGD: "Class C0". The glutamic acid amino acid residue is found in multiple mammalian species, which suggests that this missense change does not adversely affect protein function. ClinVar contains an entry for this variant (Variation ID: 1479062). This variant has not been reported in the literature in individuals affected with NSDHL-related conditions. This variant is not present in population databases (gnomAD no frequency). This sequence change replaces lysine, which is basic and polar, with glutamic acid, which is acidic and polar, at codon 24 of the NSDHL protein (p.Lys24Glu).

NM_015922.3(NSDHL):c.70A>G (p.Lys24Glu)

Gene: NSDHL (NAD(P) dependent 3-beta-hydroxysteroid dehydrogenase NSDHL; plus strand). Cytogenetic location: Xq28.
Variant type: single nucleotide variant.
Coding change: c.70A>G on transcript NM_015922.3 (MANE Select); coding-DNA position 70, A replaced by G.
Protein change: p.Lys24Glu; replaces lysine 24 with glutamic acid.
Molecular consequence: missense variant.
Genome position (GRCh38, 1-based): chrX:152,846,394, A>G. VCF-style: chrX-152846394-A-G. GRCh37 (hg19) VCF-style: chrX-152014938-A-G.
Other names: c.70A>G, p.Lys24Glu (NM_001129765.2); short protein forms K24E.
Identifiers: ClinVar variation 1479062 (VCV001479062.6), dbSNP rs2125007083, ClinGen allele CA415284062.